The following is an entry in ClinVar:

NM_007294.4(BRCA1):c.34dup (p.Gln12fs)

Gene: BRCA1 (BRCA1 DNA repair associated; minus strand). Cytogenetic location: 17q21.31.
Variant type: Duplication.
Coding change: c.34dup on transcript NM_007294.4 (MANE Select); coding-DNA position 34, one base duplicated (C; older notation c.34dupC).
Protein change: p.Gln12fs; shifts the reading frame from glutamine 12.
Molecular consequence: frameshift variant. On other transcripts: non-coding transcript variant (1), 5 prime UTR variant (1).
Genome position (GRCh38, 1-based): chr17:43,124,063, G duplicated on the plus strand (C on the coding strand, the reverse complement: BRCA1 is on the minus strand). VCF-style (leftmost placement, unchanged base first): chr17-43124062-T-TG. GRCh37 (hg19) VCF-style: chr17-41276079-T-TG.
Other names: c.34dupC (NM_007294.3); c.34dup, p.Gln12fs (NM_007299.4, NM_007300.4); c.34dup, p.Gln12Profs (NM_007304.2, NM_001407581.1, NM_001407582.1 and 191 more transcripts); c.-155dup (NM_001407571.1, NM_001407853.1, NM_001407879.1 and 46 more transcripts); c.-224dup (NM_001407694.1, NM_001407724.1, NM_001407727.1 and 11 more transcripts); c.-228dup (NM_001407695.1, NM_001408465.1); c.-369dup (NM_001407696.1); c.-253dup (NM_001407697.1, NM_001407846.1, NM_001407920.1); and 10 more; short protein forms Q12fs.
Identifiers: ClinVar variation 548210 (VCV000548210.2), dbSNP rs1555601009, ClinGen allele CA658823846.

ClinVar aggregate classification (germline): Pathogenic (3 of 4 stars; one submission).

Conditions:
Breast-ovarian cancer, familial, susceptibility to, 1 (BROVCA1). Also called: BRCA1 Hereditary Breast and Ovarian Cancer; OVARIAN CANCER, SUSCEPTIBILITY TO. Identifiers: Orphanet 145, MedGen C2676676, MONDO:0011450, OMIM 604370. Disease mechanism: loss of function.

Submission:

Evidence-based Network for the Interpretation of Germline Mutant Alleles (ENIGMA)
Classification: Pathogenic for Breast-ovarian cancer, familial, susceptibility to, 1. Last evaluated: 2017-12-15. Review status: reviewed by expert panel. Criteria: ENIGMA BRCA1/2 Classification Criteria (2017-06-29). Collection method: curation. Allele origin: germline. Study: ENIGMA.
Comment: Variant allele predicted to encode a truncated non-functional protein.